The following is an entry in ClinVar:

ClinVar aggregate classification (germline): Uncertain significance. Review status: criteria provided, multiple submitters, no conflicts (2 of 4 stars). 3 submissions from 3 submitters: Uncertain significance (3). Last evaluated 2026-04-02.

Conditions:
LTBP4-related disorder. Also called: LTBP4-related condition.
Inborn genetic diseases. Identifiers: MedGen C0950123, MeSH D030342.

Allele frequency attached by ClinVar (database versions not stated): TOPMed 0.00003; ESP Exome Variant Server 0.00009; ExAC 0.00010; 1000 Genomes Project 30x 0.00016; 1000 Genomes Project 0.00020.
gnomAD v4.1: 69 of 1,586,392 alleles (0.0043%); highest among the groups gnomAD compares: Non-Finnish European, 0.0057%; no homozygotes.

Submissions (3):

PreventionGenetics, part of Exact Sciences
Classification: Uncertain significance for LTBP4-related condition. Last evaluated: 2026-04-02. Review status: criteria provided, single submitter. Criteria: ACMG Guidelines, 2015. Collection method: clinical testing. Allele origin: germline.
Comment: The LTBP4 c.1756C>G variant is predicted to result in the amino acid substitution p.Arg586Gly. To our knowledge, this variant has not been reported in the literature. This variant is reported in 0.0078% of alleles in individuals of European (Non-Finnish) descent in gnomAD. At this time, the clinical significance of this variant is uncertain due to the absence of conclusive functional and genetic evidence.

Ambry Genetics
Classification: Uncertain significance for Inborn genetic diseases. Last evaluated: 2023-05-17. Review status: criteria provided, single submitter. Criteria: Ambry Variant Classification Scheme 2023. Collection method: clinical testing. Allele origin: germline.

Labcorp Genetics (formerly Invitae), Labcorp
Classification: Uncertain significance. Last evaluated: 2022-09-01. Review status: criteria provided, single submitter. Criteria: Invitae Variant Classification Sherloc (09022015). Collection method: clinical testing. Allele origin: germline.
Comment: This sequence change replaces arginine, which is basic and polar, with glycine, which is neutral and non-polar, at codon 586 of the LTBP4 protein (p.Arg586Gly). This variant is present in population databases (rs376506632, gnomAD 0.009%). This variant has not been reported in the literature in individuals affected with LTBP4-related conditions. Experimental studies and prediction algorithms are not available or were not evaluated, and the functional significance of this variant is currently unknown. In summary, the available evidence is currently insufficient to determine the role of this variant in disease. Therefore, it has been classified as a Variant of Uncertain Significance.

NM_001042545.2(LTBP4):c.1666C>G (p.Arg556Gly)

Gene: LTBP4 (latent transforming growth factor beta binding protein 4; plus strand). Cytogenetic location: 19q13.2.
Variant type: single nucleotide variant.
Coding change: c.1666C>G on transcript NM_001042545.2 (MANE Select); coding-DNA position 1666, C replaced by G.
Protein change: p.Arg556Gly; replaces arginine 556 with glycine.
Molecular consequence: missense variant.
Genome position (GRCh38, 1-based): chr19:40,609,853, C>G. VCF-style: chr19-40609853-C-G. GRCh37 (hg19) VCF-style: chr19-41115759-C-G.
Other names: c.1867C>G, p.Arg623Gly (NM_001042544.1); c.1756C>G, p.Arg586Gly (NM_003573.2); short protein forms R623G, R586G, R556G.
Identifiers: ClinVar variation 1991401 (VCV001991401.4), dbSNP rs376506632, ClinGen allele CA9448385.
Genomic context (GRCh38, chr19:40,609,853, plus strand): 5'-TGCGAGAACTCACCAGGCAGCTTCCGCTGCGTGTGCGGCCCGGGCTTCCGAGCCGGCCCA[C>G]GGGCTGCGGAATGCCTGGGTGAGAAATTTGCCCCACCCGGCTCCAGGCCCACCCCAGGGT-3'
Protein context (NP_001036010.1, residues 546-566): VCGPGFRAGP[Arg556Gly]AAECLDVDEC